The following is an entry in ClinVar:

NM_001110556.2(FLNA):c.917_918del (p.Val306fs)

Gene: FLNA (filamin A; minus strand). Cytogenetic location: Xq28.
Variant type: Microsatellite.
Coding change: c.917_918del on transcript NM_001110556.2 (MANE Select); coding-DNA positions 917 to 918, 2 bases deleted (TG; older notation c.917_918delTG).
Protein change: p.Val306fs; shifts the reading frame from valine 306.
Molecular consequence: frameshift variant.
Genome position (GRCh38, 1-based): chrX:154,366,801-154,366,802, CA deleted on the plus strand (TG on the coding strand, the reverse complement: FLNA is on the minus strand); deleting any 2 consecutive bases within chrX:154,366,801-154,366,804 gives the same sequence; the c. name uses the placement nearest the transcript's 3' end. VCF-style (leftmost placement, unchanged base first): chrX-154366800-CCA-C. GRCh37 (hg19) VCF-style: chrX-153595168-CCA-C.
Other names: c.917_918del, p.Val306fs (NM_001456.4); short protein forms V306fs.
Identifiers: ClinVar variation 2951035 (VCV002951035.3), dbSNP rs2522762487, ClinGen allele CA2740090202.

ClinVar aggregate classification (germline): Pathogenic (1 of 4 stars; one submission).

Conditions:
Heterotopia, periventricular, X-linked dominant (PVNH1). Also called: PERIVENTRICULAR NODULAR HETEROTOPIA 1; X-linked periventricular heterotopia; PERIVENTRICULAR NODULAR HETEROTOPIA 4; HETEROTOPIA, PERIVENTRICULAR, 1. Identifiers: Orphanet 2149, Orphanet 82004, MedGen C1848213, MONDO:0010233, OMIM 300049.
Melnick-Needles syndrome (MNS). Also called: Melnick-Needles Syndrome (FLNA-MNS); MELNICK-NEEDLES OSTEODYSPLASTY; OSTEODYSPLASTY OF MELNICK AND NEEDLES. Identifiers: Orphanet 2484, MedGen C0025237, MONDO:0010650, OMIM 309350.
Frontometaphyseal dysplasia (FMD1). Identifiers: Orphanet 1826, MedGen C0265293, MONDO:0015942.
Oto-palato-digital syndrome, type II (OPD2). Also called: Otopalatodigital Syndrome Type 2 (FLNA-OPD2); FACIOPALATOOSSEOUS SYNDROME; OPD II SYNDROME; Otopalatodigital Syndrome, Type II. Identifiers: Orphanet 669, Orphanet 90652, MedGen C1844696, MONDO:0010571, OMIM 304120.

Submission:

Labcorp Genetics (formerly Invitae), Labcorp
Classification: Pathogenic for Oto-palato-digital syndrome, type II; Heterotopia, periventricular, X-linked dominant; Frontometaphyseal dysplasia; Melnick-Needles syndrome. Last evaluated: 2023-10-22. Review status: criteria provided, single submitter. Criteria: Invitae Variant Classification Sherloc (09022015). Collection method: clinical testing. Allele origin: germline.
Comment: This sequence change creates a premature translational stop signal (p.Val306Glyfs*30) in the FLNA gene. It is expected to result in an absent or disrupted protein product. Loss-of-function variants in FLNA are known to be pathogenic (PMID: 16684786, 20730588, 26471271). This variant is not present in population databases (gnomAD no frequency). This variant has not been reported in the literature in individuals affected with FLNA-related conditions. For these reasons, this variant has been classified as Pathogenic.

Literature cited by the submitters: PubMed 16684786; PubMed 20730588; PubMed 26471271.